The following is an entry in ClinVar:

ClinVar aggregate classification (germline): Likely benign (1 of 4 stars; one submission).

Conditions:
ARHGAP6-related disorder. Also called: ARHGAP6-related condition.

gnomAD v4.1: 2 of 1,182,400 alleles (0.00017%); highest among the groups gnomAD compares: Non-Finnish European, 0.00023%; no homozygotes.

Submission:

PreventionGenetics, part of Exact Sciences
Classification: Likely benign for ARHGAP6-related condition. Last evaluated: 2025-04-04. Review status: criteria provided, single submitter. Criteria: ACMG Guidelines, 2015. Collection method: clinical testing. Allele origin: germline.
Comment: This variant is classified as likely benign based on ACMG/AMP sequence variant interpretation guidelines (Richards et al. 2015 PMID: 25741868, with internal and published modifications).

NM_013427.3(ARHGAP6):c.1810-10G>C

Gene: ARHGAP6 (Rho GTPase activating protein 6; minus strand). Cytogenetic location: Xp22.2.
Variant type: single nucleotide variant.
Coding change: c.1810-10G>C on transcript NM_013427.3 (MANE Select); 10 bases into the intron before coding-DNA position 1810, G replaced by C.
Molecular consequence: intron variant.
Genome position (GRCh38, 1-based): chrX:11,156,636, C>G on the plus strand (G>C on the coding strand, the complement: ARHGAP6 is on the minus strand). VCF-style: chrX-11156636-C-G. GRCh37 (hg19) VCF-style: chrX-11174756-C-G.
Other names: c.1270-10G>C (NM_001287242.2); c.1201-10G>C (NM_013423.3); c.1810-10G>C (NM_006125.3).
Identifiers: ClinVar variation 4983187 (VCV004983187.1).